The following is an entry in ClinVar:

NM_007279.3(U2AF2):c.1177G>A (p.Glu393Lys)

Gene: U2AF2 (U2 small nuclear RNA auxiliary factor 2; plus strand). Cytogenetic location: 19q13.42.
Variant type: single nucleotide variant.
Coding change: c.1177G>A on transcript NM_007279.3 (MANE Select); coding-DNA position 1177, G replaced by A.
Protein change: p.Glu393Lys; replaces glutamic acid 393 with lysine.
Molecular consequence: missense variant.
Genome position (GRCh38, 1-based): chr19:55,669,576, G>A. VCF-style: chr19-55669576-G-A. GRCh37 (hg19) VCF-style: chr19-56180942-G-A.
Other names: c.1165G>A, p.Glu389Lys (NM_001012478.2); short protein forms E389K, E393K.
Identifiers: ClinVar variation 3342637 (VCV003342637.1).

ClinVar aggregate classification (germline): Uncertain significance (1 of 4 stars; one submission).

Submission:

GeneDx
Classification: Uncertain significance. Last evaluated: 2022-09-14. Review status: criteria provided, single submitter. Criteria: GeneDx Variant Classification Process June 2021. Collection method: clinical testing. Allele origin: germline. Affected: yes.
Comment: Not observed at significant frequency in large population cohorts (gnomAD); In silico analysis supports that this missense variant has a deleterious effect on protein structure/function; Has not been previously published as pathogenic or benign to our knowledge; Variants in candidate genes are classified as variants of uncertain significance in accordance with ACMG guidelines (Richards et al., 2015)